The following is an entry in ClinVar:

NM_000038.6(APC):c.422+16A>T

Gene: APC (APC regulator of WNT signaling pathway; plus strand). Cytogenetic location: 5q22.2.
Variant type: single nucleotide variant.
Coding change: c.422+16A>T on transcript NM_000038.6 (MANE Select); 16 bases into the intron after coding-DNA position 422, A replaced by T.
Molecular consequence: intron variant.
Genome position (GRCh38, 1-based): chr5:112,767,406, A>T. VCF-style: chr5-112767406-A-T. GRCh37 (hg19) VCF-style: chr5-112103103-A-T.
Other names: c.422+16A>T (NM_001354895.2, NM_001127510.3, NM_001354896.2 and 2 more transcripts); c.452+16A>T (NM_001354897.2, NM_001354902.2, NM_001127511.3); c.347+16A>T (NM_001354898.2, NM_001354904.2); c.-614+16A>T (NM_001354906.2); c.245+16A>T (NM_001354900.2, NM_001354901.2, NM_001354905.2).
Identifiers: ClinVar variation 507439 (VCV000507439.1), dbSNP rs751855793, ClinGen allele CA658796569.

ClinVar aggregate classification (germline): Likely benign (1 of 4 stars; one submission).

Submission:

GeneDx
Classification: Likely benign. Last evaluated: 2017-02-13. Review status: criteria provided, single submitter. Criteria: GeneDx Variant Classification (06012015). Collection method: clinical testing. Allele origin: germline. Affected: yes.
Comment: This variant is considered likely benign or benign based on one or more of the following criteria: it is a conservative change, it occurs at a poorly conserved position in the protein, it is predicted to be benign by multiple in silico algorithms, and/or has population frequency not consistent with disease.